The following is an entry in ClinVar:

ClinVar aggregate classification (germline): Uncertain significance (1 of 4 stars; one submission).

Submission:

GeneDx
Classification: Uncertain significance. Last evaluated: 2024-01-04. Review status: criteria provided, single submitter. Criteria: GeneDx Variant Classification Process June 2021. Collection method: clinical testing. Allele origin: germline. Affected: yes.
Comment: Not observed at significant frequency in large population cohorts (gnomAD); In-frame deletion of 1 amino acid in a non-repeat region; In silico analysis supports a deleterious effect on protein structure/function; Has not been previously published as pathogenic or benign to our knowledge

NM_005121.2(MED13):c.1175_1177del

Gene: MED13 (mediator complex subunit 13; minus strand). Cytogenetic location: 17q23.2.
Variant type: Microsatellite.
Coding change: c.1175_1177del on transcript NM_005121.2; coding-DNA positions 1175 to 1177, 3 bases deleted (GGA; older notation c.1175_1177delGGA).
Genome position (GRCh38, 1-based): chr17:62,029,647-62,029,649, TCC deleted on the plus strand (GGA on the coding strand, the reverse complement: MED13 is on the minus strand); deleting any 3 consecutive bases within chr17:62,029,647-62,029,653 gives the same sequence; the c. name uses the placement nearest the transcript's 3' end. VCF-style (leftmost placement, unchanged base first): chr17-62029646-TTCC-T. GRCh37 (hg19) VCF-style: chr17-60107007-TTCC-T.
Identifiers: ClinVar variation 3367576 (VCV003367576.1).